The following is an entry in ClinVar:

NM_000275.3(OCA2):c.1120C>T (p.Pro374Ser)

Gene: OCA2 (OCA2 melanosomal transmembrane protein; minus strand). Cytogenetic location: 15q13.1.
Variant type: single nucleotide variant.
Coding change: c.1120C>T on transcript NM_000275.3 (MANE Select); coding-DNA position 1120, C replaced by T.
Protein change: p.Pro374Ser; replaces proline 374 with serine.
Molecular consequence: missense variant.
Genome position (GRCh38, 1-based): chr15:27,989,663, G>A on the plus strand (C>T on the coding strand, the complement: OCA2 is on the minus strand). VCF-style: chr15-27989663-G-A. GRCh37 (hg19) VCF-style: chr15-28234809-G-A.
Other names: c.1048C>T, p.Pro350Ser (NM_001300984.2); short protein forms P350S, P374S.
Identifiers: ClinVar variation 2807198 (VCV002807198.3), dbSNP rs2041483684, ClinGen allele CA391362118.
Genomic context (GRCh38, chr15:27,989,663, plus strand): 5'-TGCCAAACAGCAGGGCCAGCGTCTCAAAATCAATCCACTCCACCACATGGGTCAGGCTGG[G>A]TCTCTGCAATCAAAGCACAAATTTGCCAATTAATCCGTGCGCCGCCATCCCAGTGATGAG-3'
Protein context (NP_000266.2, residues 364-384): LAALAVIGDR[Pro374Ser]SLTHVVEWID

ClinVar aggregate classification (germline): Uncertain significance (1 of 4 stars; one submission).

Allele frequency attached by ClinVar (database versions not stated): gnomAD 0.00001.
gnomAD v4.1: 1 of 1,613,974 alleles (0.000062%); highest among the groups gnomAD compares: African/African-American, 0.0013%; no homozygotes.

Submission:

Labcorp Genetics (formerly Invitae), Labcorp
Classification: Uncertain significance. Last evaluated: 2022-12-15. Review status: criteria provided, single submitter. Criteria: Invitae Variant Classification Sherloc (09022015). Collection method: clinical testing. Allele origin: germline.
Comment: This sequence change replaces proline, which is neutral and non-polar, with serine, which is neutral and polar, at codon 374 of the OCA2 protein (p.Pro374Ser). This variant is not present in population databases (gnomAD no frequency). This variant has not been reported in the literature in individuals affected with OCA2-related conditions. Advanced modeling of protein sequence and biophysical properties (such as structural, functional, and spatial information, amino acid conservation, physicochemical variation, residue mobility, and thermodynamic stability) performed at Invitae indicates that this missense variant is expected to disrupt OCA2 protein function. In summary, the available evidence is currently insufficient to determine the role of this variant in disease. Therefore, it has been classified as a Variant of Uncertain Significance.